The following is an entry in ClinVar:

ClinVar aggregate classification (germline): Conflicting classifications of pathogenicity. Review status: criteria provided, conflicting classifications (1 of 4 stars). 3 submissions from 3 submitters: Uncertain significance (2); Likely benign (1). Last evaluated 2025-09-22.

Conditions:
Familial thoracic aortic aneurysm and aortic dissection (TAAD). Also called: Thoracic aortic aneurysms and dissections. Identifiers: Orphanet 91387, MedGen C4707243, MONDO:0019625.
HYPERHOMOCYSTEINEMIA, THROMBOTIC, CBS-RELATED. Identifiers: MedGen C3150344, OMIM 236200.

Allele frequency attached by ClinVar (database versions not stated): ExAC 0.00001; gnomAD exomes 0.00001.

Submissions (3):

GeneDx
Classification: Uncertain significance. Last evaluated: 2025-09-22. Review status: criteria provided, single submitter. Criteria: GeneDx Variant Classification Process June 2021. Collection method: clinical testing. Allele origin: germline. Affected: yes.
Comment: Not observed at significant frequency in large population cohorts (gnomAD); In silico analysis suggests that this missense variant does not alter protein structure/function; Has not been previously published as pathogenic or benign to our knowledge

Labcorp Genetics (formerly Invitae), Labcorp
Classification: Uncertain significance for HYPERHOMOCYSTEINEMIA, THROMBOTIC, CBS-RELATED. Last evaluated: 2022-07-19. Review status: criteria provided, single submitter. Criteria: Invitae Variant Classification Sherloc (09022015). Collection method: clinical testing. Allele origin: germline.
Comment: This sequence change replaces proline, which is neutral and non-polar, with serine, which is neutral and polar, at codon 12 of the CBS protein (p.Pro12Ser). This variant is present in population databases (rs558259739, gnomAD 0.007%). This variant has not been reported in the literature in individuals affected with CBS-related conditions. ClinVar contains an entry for this variant (Variation ID: 212840). Algorithms developed to predict the effect of missense changes on protein structure and function output the following: SIFT: "Tolerated"; PolyPhen-2: "Benign"; Align-GVGD: "Class C0". The serine amino acid residue is found in multiple mammalian species, which suggests that this missense change does not adversely affect protein function. In summary, the available evidence is currently insufficient to determine the role of this variant in disease. Therefore, it has been classified as a Variant of Uncertain Significance.

Ambry Genetics
Classification: Likely benign for Familial thoracic aortic aneurysm and aortic dissection. Last evaluated: 2022-05-20. Review status: criteria provided, single submitter. Criteria: Ambry Variant Classification Scheme 2023. Collection method: clinical testing. Allele origin: germline.

NM_000071.3(CBS):c.34C>T (p.Pro12Ser)

Gene: CBS (cystathionine beta-synthase; minus strand). Cytogenetic location: 21q22.3.
Variant type: single nucleotide variant.
Coding change: c.34C>T on transcript NM_000071.3 (MANE Select); coding-DNA position 34, C replaced by T.
Protein change: p.Pro12Ser; replaces proline 12 with serine.
Molecular consequence: missense variant.
Genome position (GRCh38, 1-based): chr21:43,072,160, G>A on the plus strand (C>T on the coding strand, the complement: CBS is on the minus strand). VCF-style: chr21-43072160-G-A. GRCh37 (hg19) VCF-style: chr21-44492270-G-A.
Other names: p.P12S:CCC>TCC; c.34C>T, p.Pro12Ser (NM_001178008.3, NM_001178009.3, NM_001320298.2); short protein forms P12S.
Identifiers: ClinVar variation 212840 (VCV000212840.11), dbSNP rs558259739, ClinGen allele CA321523.